The following is an entry in ClinVar:

ClinVar aggregate classification (germline): Conflicting classifications of pathogenicity. Review status: criteria provided, conflicting classifications (1 of 4 stars). 2 submissions from 2 submitters: Pathogenic (1); Uncertain significance (1). Last evaluated 2025-11-27.

Conditions:
Inherited obesity. Also called: Monogenic Obesity. Identifiers: Orphanet 77828, MedGen C4054476, MONDO:0019182, OMIM 601665.
MC4R-related disorder. Also called: MC4R-related condition.

gnomAD v4.1: 10 of 1,614,048 alleles (0.00062%); highest among the groups gnomAD compares: South Asian, 0.0033%; no homozygotes.

Submissions (2):

Institute of Human Genetics, University of Leipzig Medical Center
Classification: Pathogenic for Inherited obesity. Last evaluated: 2025-11-27. Review status: criteria provided, single submitter. Criteria: ACMG Guidelines, 2015. Collection method: clinical testing. Allele origin: unknown. Affected: yes.
Comment: Criteria applied: PP3,PS3,PM1

PreventionGenetics, part of Exact Sciences
Classification: Uncertain significance for MC4R-related condition. Last evaluated: 2025-06-04. Review status: criteria provided, single submitter. Criteria: ACMG Guidelines, 2015. Collection method: clinical testing. Allele origin: germline.
Comment: The MC4R c.823C>T variant is predicted to result in the amino acid substitution p.Pro275Ser. This variant has been reported in individuals with obesity (Hinney et al. 2006. PubMed ID: 16492696; Thearle et al. 2011. PubMed ID: 22106157; Table S1, Šket et al. 2022. PubMed ID: 35574020). Functional assessment by several labs indicate that it imparts a mild to moderate decrease in receptor function (Thearle et al. 2011. PubMed ID: 22106157; Mühlhaus et al. 2012. PubMed ID: 22688572; Lotta et al. 2019. PubMed ID: 31002796). This variant is reported in 0.0098% of alleles in individuals of South Asian descent in gnomAD which is not unusually common or rare. Although we suspect that this variant may be pathogenic, at this time its clinical significance is uncertain due to the absence of conclusive functional and genetic evidence.

NM_005912.3(MC4R):c.823C>T (p.Pro275Ser)

Gene: MC4R (melanocortin 4 receptor; minus strand). Cytogenetic location: 18q21.32.
Variant type: single nucleotide variant.
Coding change: c.823C>T on transcript NM_005912.3 (MANE Select); coding-DNA position 823, C replaced by T.
Protein change: p.Pro275Ser; replaces proline 275 with serine.
Molecular consequence: missense variant.
Genome position (GRCh38, 1-based): chr18:60,371,527, G>A on the plus strand (C>T on the coding strand, the complement: MC4R is on the minus strand). VCF-style: chr18-60371527-G-A. GRCh37 (hg19) VCF-style: chr18-58038760-G-A.
Other names: c.823C>T (NM_005912.2); short protein forms P275S.
Identifiers: ClinVar variation 4533312 (VCV004533312.2).